The following is an entry in ClinVar:

NM_001378964.1(CDON):c.3689T>A (p.Ile1230Asn)

Gene: CDON (cell adhesion associated, oncogene regulated; minus strand). Cytogenetic location: 11q24.2.
Variant type: single nucleotide variant.
Coding change: c.3689T>A on transcript NM_001378964.1 (MANE Select); coding-DNA position 3689, T replaced by A.
Protein change: p.Ile1230Asn; replaces isoleucine 1230 with asparagine.
Molecular consequence: missense variant.
Genome position (GRCh38, 1-based): chr11:125,961,048, A>T on the plus strand (T>A on the coding strand, the complement: CDON is on the minus strand). VCF-style: chr11-125961048-A-T. GRCh37 (hg19) VCF-style: chr11-125830943-A-T.
Other names: c.3758T>A, p.Ile1253Asn (NM_001243597.3); c.3689T>A, p.Ile1230Asn (NM_016952.6); short protein forms I1253N, I1230N.
Identifiers: ClinVar variation 2045883 (VCV002045883.5), dbSNP rs750904257, ClinGen allele CA6351305.

ClinVar aggregate classification (germline): Uncertain significance. Review status: criteria provided, multiple submitters, no conflicts (2 of 4 stars). 2 submissions from 2 submitters: Uncertain significance (2). Last evaluated 2025-07-09.

Conditions:
Inborn genetic diseases. Identifiers: MedGen C0950123, MeSH D030342.
Holoprosencephaly 11 (HPE11). Identifiers: Orphanet 2162, MedGen C3280215, MONDO:0013642, OMIM 614226.

Allele frequency attached by ClinVar (database versions not stated): ExAC 0.00001; gnomAD 0.00007; TOPMed 0.00010.
gnomAD v4.1: 16 of 1,613,964 alleles (0.00099%); highest among the groups gnomAD compares: Admixed American, 0.018%; 1 homozygote.

Submissions (2):

Labcorp Genetics (formerly Invitae), Labcorp
Classification: Uncertain significance for Holoprosencephaly 11. Last evaluated: 2025-07-09. Review status: criteria provided, single submitter. Criteria: Invitae Variant Classification Sherloc (09022015). Collection method: clinical testing. Allele origin: germline.
Comment: This sequence change replaces isoleucine, which is neutral and non-polar, with asparagine, which is neutral and polar, at codon 1230 of the CDON protein (p.Ile1230Asn). This variant is present in population databases (rs750904257, gnomAD 0.003%). This variant has not been reported in the literature in individuals affected with CDON-related conditions. ClinVar contains an entry for this variant (Variation ID: 2045883). Invitae Evidence Modeling of protein sequence and biophysical properties (such as structural, functional, and spatial information, amino acid conservation, physicochemical variation, residue mobility, and thermodynamic stability) indicates that this missense variant is not expected to disrupt CDON protein function with a negative predictive value of 80%. In summary, the available evidence is currently insufficient to determine the role of this variant in disease. Therefore, it has been classified as a Variant of Uncertain Significance.

Ambry Genetics
Classification: Uncertain significance for Inborn genetic diseases. Last evaluated: 2024-02-26. Review status: criteria provided, single submitter. Criteria: Ambry Variant Classification Scheme 2023. Collection method: clinical testing. Allele origin: germline.